The following is an entry in ClinVar:

NM_006059.4(LAMC3):c.1195G>A (p.Gly399Ser)

Gene: LAMC3 (laminin subunit gamma 3; plus strand). Cytogenetic location: 9q34.12.
Variant type: single nucleotide variant.
Coding change: c.1195G>A on transcript NM_006059.4 (MANE Select); coding-DNA position 1195, G replaced by A.
Protein change: p.Gly399Ser; replaces glycine 399 with serine.
Molecular consequence: missense variant.
Genome position (GRCh38, 1-based): chr9:131,039,160, G>A. VCF-style: chr9-131039160-G-A. GRCh37 (hg19) VCF-style: chr9-133914547-G-A.
Other names: short protein forms G399S.
Identifiers: ClinVar variation 1998352 (VCV001998352.1), dbSNP rs758674435, ClinGen allele CA5286986.

ClinVar aggregate classification (germline): Uncertain significance (1 of 4 stars; one submission).

Allele frequency attached by ClinVar (database versions not stated): gnomAD exomes below 0.00001; ExAC 0.00001.

Submission:

Labcorp Genetics (formerly Invitae), Labcorp
Classification: Uncertain significance. Last evaluated: 2022-05-24. Review status: criteria provided, single submitter. Criteria: Invitae Variant Classification Sherloc (09022015). Collection method: clinical testing. Allele origin: germline.
Comment: This sequence change replaces glycine, which is neutral and non-polar, with serine, which is neutral and polar, at codon 399 of the LAMC3 protein (p.Gly399Ser). The frequency data for this variant in the population databases is considered unreliable, as metrics indicate poor data quality at this position in the gnomAD database. This variant has not been reported in the literature in individuals affected with LAMC3-related conditions. Algorithms developed to predict the effect of missense changes on protein structure and function (SIFT, PolyPhen-2, Align-GVGD) all suggest that this variant is likely to be disruptive. In summary, the available evidence is currently insufficient to determine the role of this variant in disease. Therefore, it has been classified as a Variant of Uncertain Significance.